The following is an entry in ClinVar:

NM_001183.6(ATP6AP1):c.96GGC[10] (p.Ala39_Ala41dup)

Gene: ATP6AP1 (ATPase H+ transporting accessory protein 1; plus strand). Cytogenetic location: Xq28.
Variant type: Microsatellite.
Coding change: c.96GGC[10] on transcript NM_001183.6 (MANE Select); ten copies in a row of the 3-base unit GGC starting at c.96; the reference has seven copies in a row; three copies, 9 bases duplicated.
Protein change: p.Ala39_Ala41dup.
Molecular consequence: inframe insertion.
Genome position (GRCh38, 1-based): chrX:154,428,800-154,428,808, GGCGGCGGC duplicated; duplicating any 9 consecutive bases within chrX:154,428,788-154,428,808 gives the same sequence; the position shown is the placement nearest the transcript's 3' end. VCF-style (leftmost placement, unchanged base first): chrX-154428787-T-TGGCGGCGGC. GRCh37 (hg19) VCF-style: chrX-153657133-T-TGGCGGCGGC.
Other names: c.108_116dupGGCGGCGGC (NM_001183.6).
Identifiers: ClinVar variation 1596406 (VCV001596406.9), dbSNP rs781797236, ClinGen allele CA645291018.

ClinVar aggregate classification (germline): Likely benign. Review status: criteria provided, multiple submitters, no conflicts (2 of 4 stars). 2 submissions from 2 submitters: Likely benign (2). Last evaluated 2026-01-30.

Submissions (2):

Women's Health and Genetics/Laboratory Corporation of America, LabCorp
Classification: Likely benign. Last evaluated: 2026-01-30. Review status: criteria provided, single submitter. Criteria: LabCorp Variant Classification Summary - May 2015. Collection method: clinical testing. Allele origin: germline.
Comment: Variant summary: ATP6AP1 c.108_116dupGGCGGCGGC (p.Ala39_Ala41dup) results in an in-frame duplication that is predicted to duplicate 3 amino acids into the encoded protein. The variant allele was found at a frequency of 0.00029 in 75990 control chromosomes, predominantly at a frequency of 0.0029 within the African or African-American subpopulation in the gnomAD database. The observed variant frequency within African or African-American control individuals in the gnomAD database exceeds the estimated maximal expected allele frequency for disease-causing variants in ATP6AP1. To our knowledge, no occurrence of c.108_116dupGGCGGCGGC in individuals affected with ATP6AP1-related conditions and no experimental evidence demonstrating its impact on protein function have been reported. ClinVar contains an entry for this variant (Variation ID: 1596406). Based on the evidence outlined above, the variant was classified as likely benign.

Labcorp Genetics (formerly Invitae), Labcorp
Classification: Likely benign. Last evaluated: 2026-01-24. Review status: criteria provided, single submitter. Criteria: Invitae Variant Classification Sherloc (09022015). Collection method: clinical testing. Allele origin: germline.